The following is an entry in ClinVar:

NM_001006658.3(CR2):c.1225+3G>C

Genes: CR2 (complement C3d receptor 2; plus strand), LOC126805994 (BRD4-independent group 4 enhancer GRCh37_chr1:207642622-207643821; plus strand). Cytogenetic location: 1q32.2.
Variant type: single nucleotide variant.
Coding change: c.1225+3G>C on transcript NM_001006658.3 (MANE Select); 3 bases into the intron after coding-DNA position 1225, G replaced by C.
Molecular consequence: intron variant.
Genome position (GRCh38, 1-based): chr1:207,470,105, G>C. VCF-style: chr1-207470105-G-C. GRCh37 (hg19) VCF-style: chr1-207643450-G-C.
Other names: c.1225+3G>C (NM_001877.5).
Identifiers: ClinVar variation 1351465 (VCV001351465.3), dbSNP rs1439277709, ClinGen allele CA528609159.

ClinVar aggregate classification (germline): Uncertain significance (1 of 4 stars; one submission).

Conditions:
Immunodeficiency, common variable, 7. Identifiers: Orphanet 1572, Orphanet 696894, MedGen C3542922, MONDO:0013862, OMIM 614699.

Allele frequency attached by ClinVar (database versions not stated): TOPMed 0.00004; gnomAD exomes below 0.00001 and 0.00001; gnomAD 0.00003.
gnomAD v4.1: 15 of 1,613,162 alleles (0.00093%); highest among the groups gnomAD compares: Admixed American, 0.005%; 1 homozygote.

Submission:

Labcorp Genetics (formerly Invitae), Labcorp
Classification: Uncertain significance for Immunodeficiency, common variable, 7. Last evaluated: 2022-02-19. Review status: criteria provided, single submitter. Criteria: Invitae Variant Classification Sherloc (09022015). Collection method: clinical testing. Allele origin: germline.
Comment: This sequence change falls in intron 6 of the CR2 gene. It does not directly change the encoded amino acid sequence of the CR2 protein. It affects a nucleotide within the consensus splice site. This variant is present in population databases (no rsID available, gnomAD 0.003%). This variant has not been reported in the literature in individuals affected with CR2-related conditions. Variants that disrupt the consensus splice site are a relatively common cause of aberrant splicing (PMID: 17576681, 9536098). Algorithms developed to predict the effect of sequence changes on RNA splicing suggest that this variant may disrupt the consensus splice site. In summary, the available evidence is currently insufficient to determine the role of this variant in disease. Therefore, it has been classified as a Variant of Uncertain Significance.

Literature cited by the submitters: PubMed 17576681; PubMed 9536098.